The following is an entry in ClinVar:

NM_139276.3(STAT3):c.551-1G>C

Gene: STAT3 (signal transducer and activator of transcription 3; minus strand). Cytogenetic location: 17q21.2.
Variant type: single nucleotide variant.
Coding change: c.551-1G>C on transcript NM_139276.3 (MANE Select); the canonical splice acceptor site of the intron before coding-DNA position 551, G replaced by C.
Molecular consequence: splice acceptor variant.
Genome position (GRCh38, 1-based): chr17:42,337,858, C>G on the plus strand (G>C on the coding strand, the complement: STAT3 is on the minus strand). VCF-style: chr17-42337858-C-G. GRCh37 (hg19) VCF-style: chr17-40489876-C-G.
Other names: c.551-1G>C (NM_001369517.1, NM_001369512.1, NM_001369514.1 and 15 more transcripts); c.473-1G>C (NM_001384985.1); c.455-1G>C (NM_001384989.1).
Identifiers: ClinVar variation 1349527 (VCV001349527.9), dbSNP rs1598423756, ClinGen allele CA399594640.

ClinVar aggregate classification (germline): Conflicting classifications of pathogenicity. Review status: criteria provided, conflicting classifications (1 of 4 stars). 2 submissions from 2 submitters: Pathogenic (1); Uncertain significance (1). Last evaluated 2022-07-21.

Conditions:
STAT3-related early-onset multisystem autoimmune disease. Also called: Autoimmune disease, multisystem, infantile-onset, 1. Identifiers: Orphanet 438159, MedGen C4014795, MONDO:0014414, OMIM 615952.
Hyper-IgE recurrent infection syndrome 1, autosomal dominant. Also called: JOB SYNDROME; Job's Syndrome; STAT3 Hyper IgE Syndrome; Hyper-IgE recurrent infection syndrome 1; HYPER-IgE SYNDROME 1, AUTOSOMAL DOMINANT, WITH RECURRENT INFECTIONS. Identifiers: Orphanet 2314, MedGen C2936739, MONDO:0007818, OMIM 147060.
STAT3 gain of function. Identifiers: MedGen C4288261.

Submissions (2):

Labcorp Genetics (formerly Invitae), Labcorp
Classification: Uncertain significance for STAT3 gain of function; Hyper-IgE recurrent infection syndrome 1, autosomal dominant. Last evaluated: 2022-07-21. Review status: criteria provided, single submitter. Criteria: Invitae Variant Classification Sherloc (09022015). Collection method: clinical testing. Allele origin: germline.
Comment: In summary, the available evidence is currently insufficient to determine the role of this variant in disease. Therefore, it has been classified as a Variant of Uncertain Significance. Algorithms developed to predict the effect of sequence changes on RNA splicing suggest that this variant may disrupt the consensus splice site. ClinVar contains an entry for this variant (Variation ID: 1349527). Disruption of this splice site has been observed in individual(s) with primary immunodeficiency (PMID: 32888943). This variant is not present in population databases (gnomAD no frequency). This sequence change affects an acceptor splice site in intron 6 of the STAT3 gene. It is expected to disrupt RNA splicing. Variants that disrupt the donor or acceptor splice site typically lead to a loss of protein function (PMID: 16199547), however the current clinical and genetic evidence is not sufficient to establish whether loss-of-function variants in STAT3 cause disease.

3billion
Classification: Pathogenic for STAT3-related early-onset multisystem autoimmune disease. Review status: criteria provided, single submitter. Criteria: ACMG Guidelines, 2015. Collection method: clinical testing. Allele origin: unknown. Affected: yes. Observed: 1 heterozygote.
Comment: The variant is not observed in the gnomAD v2.1.1 dataset. It is a splice variant located at canonical splice site predicted to alter splicing and result in a loss or disruption of normal protein function. Multiple pathogenic loss-of-function variants are reported downstream of the variant. The variant has been reported to be associated with STAT3-related disorder (PMID: 32888943). Therefore, this variant is classified as pathogenic according to the recommendation of ACMG/AMP guideline.

Literature cited by the submitters: PubMed 32888943 (cited by Labcorp Genetics (formerly Invitae), Labcorp and 3billion); PubMed 16199547 (cited by Labcorp Genetics (formerly Invitae), Labcorp).